The following is an entry in ClinVar:

ClinVar aggregate classification (germline): Likely benign. Review status: criteria provided, single submitter (1 of 4 stars). 2 submissions from 2 submitters: Likely benign (1). 1 of the submissions does not count toward it. Last evaluated 2025-08-21.

Conditions:
DMPK-related disorder. Also called: DMPK-related condition.
Inborn genetic diseases. Identifiers: MedGen C0950123, MeSH D030342.

Allele frequency attached by ClinVar (database versions not stated): gnomAD exomes 0.00029; ExAC 0.00127; ESP Exome Variant Server 0.00257; gnomAD 0.00289; TOPMed 0.00321; 1000 Genomes Project 0.00459; 1000 Genomes Project 30x 0.00500.
gnomAD v4.1: 864 of 1,550,658 alleles (0.056%); highest among the groups gnomAD compares: African/African-American, 1%; 6 homozygotes.

Submissions (2):

Ambry Genetics
Classification: Likely benign for Inborn genetic diseases. Last evaluated: 2025-08-21. Review status: criteria provided, single submitter. Criteria: Ambry Variant Classification Scheme 2023. Collection method: clinical testing. Allele origin: germline.

PreventionGenetics, part of Exact Sciences
Classification: Benign for DMPK-related condition. Last evaluated: 2019-06-18. Review status: no assertion criteria provided. Collection method: clinical testing. Allele origin: germline. Not counted in ClinVar's aggregate classification.
Comment: This variant is classified as benign based on ACMG/AMP sequence variant interpretation guidelines (Richards et al. 2015 PMID: 25741868, with internal and published modifications).

NM_004409.5(DMPK):c.1848C>T (p.Leu616=)

Genes: DM1-AS (DM1 locus antisense RNA; plus strand), DMPK (DM1 protein kinase; minus strand), LOC107075317 (origin of replication in DMPK trinucleotide repeat region; plus strand), LOC129929041 (ATAC-STARR-seq lymphoblastoid active region 14820; plus strand). Cytogenetic location: 19q13.32.
Variant type: single nucleotide variant.
Coding change: c.1848C>T on transcript NM_004409.5 (MANE Select); coding-DNA position 1848, C replaced by T.
Protein change: p.Leu616=; no amino-acid change (leucine 616 retained).
Molecular consequence: synonymous variant. On other transcripts: missense variant (5), 3 prime UTR variant (3).
Genome position (GRCh38, 1-based): chr19:45,770,530, G>A on the plus strand (C>T on the coding strand, the complement: DMPK is on the minus strand). VCF-style: chr19-45770530-G-A. GRCh37 (hg19) VCF-style: chr19-46273788-G-A.
Other names: c.1878C>T, p.Leu626= (NM_001081563.3); c.1926C>T, p.Leu642= (NM_001288764.2); c.1577C>T, p.Ser526Leu (NM_001288765.2); c.*103C>T (NM_001288766.2, NM_001424164.1, NM_001424168.1); c.1844C>T, p.Ser615Leu (NM_001424162.1); c.1922C>T, p.Ser641Leu (NM_001424163.1); c.1758C>T, p.Leu586= (NM_001424165.1); c.1403C>T, p.Ser468Leu (NM_001424166.1); and 4 more; short protein forms S468L, S526L, S610L, S615L, S641L.
Identifiers: ClinVar variation 3034109 (VCV003034109.3), dbSNP rs182565629, ClinGen allele CA9520897.